The following is an entry in ClinVar:

NM_003850.3(SUCLA2):c.37G>A (p.Val13Met)

Genes: SUCLA2 (succinate-CoA ligase ADP-forming subunit beta; minus strand), LOC130009747 (ATAC-STARR-seq lymphoblastoid active region 7719; plus strand). Cytogenetic location: 13q14.2.
Variant type: single nucleotide variant.
Coding change: c.37G>A on transcript NM_003850.3 (MANE Select); coding-DNA position 37, G replaced by A.
Protein change: p.Val13Met; replaces valine 13 with methionine.
Molecular consequence: missense variant.
Genome position (GRCh38, 1-based): chr13:48,001,233, C>T on the plus strand (G>A on the coding strand, the complement: SUCLA2 is on the minus strand). VCF-style: chr13-48001233-C-T. GRCh37 (hg19) VCF-style: chr13-48575369-C-T.
Other names: p.V13M:GTG>ATG; short protein forms V13M.
Identifiers: ClinVar variation 139366 (VCV000139366.24), dbSNP rs35201084, ClinGen allele CA293814.

ClinVar aggregate classification (germline): Benign/Likely benign. Review status: criteria provided, multiple submitters, no conflicts (2 of 4 stars). 6 submissions from 6 submitters: Benign (3); Likely benign (3). Last evaluated 2026-02-01.

Conditions:
Mitochondrial DNA depletion syndrome, encephalomyopathic form with methylmalonic aciduria (MTDPS5). Also called: Mitochondrial encephalomyopathy aminoacidopathy; MITOCHONDRIAL DNA DEPLETION SYNDROME, ENCEPHALOMYOPATHIC FORM, WITH OR WITHOUT METHYLMALONIC ACIDURIA, AUTOSOMAL RECESSIVE, SUCLA2-RELATED; Mitochondrial DNA depletion syndrome 5 (encephalomyopathic with or without methylmalonic aciduria); SUCLA2-Related Mitochondrial DNA Depletion Syndrome, Encephalomyopathic Form with Methylmalonic Aciduria. Identifiers: Orphanet 1933, MedGen C5980207, MONDO:0012791, OMIM 612073.

Allele frequency attached by ClinVar (database versions not stated): gnomAD exomes 0.00099; ExAC 0.00164; 1000 Genomes Project 0.00240; 1000 Genomes Project 30x 0.00250; gnomAD 0.00343 and 0.00371; TOPMed 0.00388.
gnomAD v4.1: 1,115 of 1,605,638 alleles (0.069%); highest among the groups gnomAD compares: African/African-American, 1.1%; 5 homozygotes.

Submissions (6):

Labcorp Genetics (formerly Invitae), Labcorp
Classification: Benign for Mitochondrial DNA depletion syndrome, encephalomyopathic form with methylmalonic aciduria. Last evaluated: 2026-02-01. Review status: criteria provided, single submitter. Criteria: Invitae Variant Classification Sherloc (09022015). Collection method: clinical testing. Allele origin: germline.

Mayo Clinic Laboratories, Mayo Clinic
Classification: Likely benign. Last evaluated: 2025-06-17. Review status: criteria provided, single submitter. Criteria: ACMG Guidelines, 2015. Collection method: clinical testing. Allele origin: germline. Observed: 12 variant alleles.
Comment: BS1, BS2, BP4

Blueprint Genetics
Classification: Likely benign. Last evaluated: 2024-11-01. Review status: criteria provided, single submitter. Criteria: ACMG Guidelines, 2015. Collection method: clinical testing. Allele origin: germline.

Illumina Laboratory Services, Illumina
Classification: Benign for Mitochondrial DNA depletion syndrome, encephalomyopathic form with methylmalonic aciduria. Last evaluated: 2018-01-13. Review status: criteria provided, single submitter. Criteria: ICSL Variant Classification Criteria 13 December 2019. Collection method: clinical testing. Allele origin: germline.
Comment: This variant was observed in the ICSL laboratory as part of a predisposition screen in an ostensibly healthy population. It had not been previously curated by ICSL or reported in the Human Gene Mutation Database (HGMD: prior to June 1st, 2018), and was therefore a candidate for classification through an automated scoring system. Utilizing variant allele frequency, disease prevalence and penetrance estimates, and inheritance mode, an automated score was calculated to assess if this variant is too frequent to cause the disease. Based on the score and internal cut-off values, a variant classified as benign is not then subjected to further curation. The score for this variant resulted in a classification of benign for this disease.

ARUP Laboratories, Molecular Genetics and Genomics, ARUP Laboratories
Classification: Likely benign. Last evaluated: 2017-09-08. Review status: criteria provided, single submitter. Criteria: ARUP Molecular Germline Variant Investigation Process. Collection method: clinical testing. Allele origin: germline.
Comment: The c.37G>A; p.Val13Met variant (rs35201084) has not been reported in the medical literature. This variant is listed in the Genome Aggregation Database (gnomAD) with a frequency of 1.1 percent in the African population (identified on 239 out of 21,396 chromosomes), and reported to the ClinVar database as a benign variant (Variation ID: 139366). The valine at position 13 is weakly conserved considering 12 species (Alamut v2.9.0) and computational analyses of the effects of the p.Val13Met variant on protein structure and function indicate a neutral effect (SIFT: tolerated, MutationTaster: polymorphism, PolyPhen-2: benign). Based on these observations, the p.Val13Met variant is likely to be benign.

GeneDx
Classification: Benign. Last evaluated: 2011-07-11. Review status: criteria provided, single submitter. Criteria: GeneDx Variant Classification (06012015). Collection method: clinical testing. Allele origin: germline. Affected: yes.
Comment: This variant is considered likely benign or benign based on one or more of the following criteria: it is a conservative change, it occurs at a poorly conserved position in the protein, it is predicted to be benign by multiple in silico algorithms, and/or has population frequency not consistent with disease.